The following is an entry in ClinVar:

NM_000372.5(TYR):c.631C>T (p.His211Tyr)

Gene: TYR (tyrosinase; plus strand). Cytogenetic location: 11q14.3.
Variant type: single nucleotide variant.
Coding change: c.631C>T on transcript NM_000372.5 (MANE Select); coding-DNA position 631, C replaced by T.
Protein change: p.His211Tyr; replaces histidine 211 with tyrosine.
Molecular consequence: missense variant.
Genome position (GRCh38, 1-based): chr11:89,178,584, C>T. VCF-style: chr11-89178584-C-T. GRCh37 (hg19) VCF-style: chr11-88911752-C-T.
Other names: short protein forms H211Y.
Identifiers: ClinVar variation 2095363 (VCV002095363.4), dbSNP rs2496530145, ClinGen allele CA382035016.

ClinVar aggregate classification (germline): Pathogenic (1 of 4 stars; one submission).

Allele frequency attached by ClinVar (database versions not stated): gnomAD exomes below 0.00001.

Submission:

Labcorp Genetics (formerly Invitae), Labcorp
Classification: Pathogenic. Last evaluated: 2025-05-25. Review status: criteria provided, single submitter. Criteria: Invitae Variant Classification Sherloc (09022015). Collection method: clinical testing. Allele origin: germline.
Comment: This sequence change replaces histidine, which is basic and polar, with tyrosine, which is neutral and polar, at codon 211 of the TYR protein (p.His211Tyr). This variant is not present in population databases (gnomAD no frequency). This missense change has been observed in individual(s) with clinical features of ocular albinism (PMID: 30447237; internal data). In at least one individual the data is consistent with being in trans (on the opposite chromosome) from a pathogenic variant. ClinVar contains an entry for this variant (Variation ID: 2095363). Invitae Evidence Modeling of protein sequence and biophysical properties (such as structural, functional, and spatial information, amino acid conservation, physicochemical variation, residue mobility, and thermodynamic stability) indicates that this missense variant is expected to disrupt TYR protein function with a positive predictive value of 95%. Experimental studies have shown that this missense change affects TYR function (PMID: 30447237). This variant disrupts the p.His211 amino acid residue in TYR. Other variant(s) that disrupt this residue have been determined to be pathogenic (PMID: 19865097, 34838614). This suggests that this residue is clinically significant, and that variants that disrupt this residue are likely to be disease-causing. For these reasons, this variant has been classified as Pathogenic.

Literature cited by the submitters: PubMed 30447237; PubMed 19865097; PubMed 34838614.